The following is an entry in ClinVar:

NM_030930.4(UNC93B1):c.1172T>A (p.Leu391His)

Gene: UNC93B1 (unc-93B1 regulator of TLR signaling; minus strand). Cytogenetic location: 11q13.2.
Variant type: single nucleotide variant.
Coding change: c.1172T>A on transcript NM_030930.4 (MANE Select); coding-DNA position 1172, T replaced by A.
Protein change: p.Leu391His; replaces leucine 391 with histidine.
Molecular consequence: missense variant.
Genome position (GRCh38, 1-based): chr11:67,995,802, A>T on the plus strand (T>A on the coding strand, the complement: UNC93B1 is on the minus strand). VCF-style: chr11-67995802-A-T. GRCh37 (hg19) VCF-style: chr11-67763273-A-T.
Other names: short protein forms L391H.
Identifiers: ClinVar variation 1347146 (VCV001347146.6), dbSNP rs2134359442, ClinGen allele CA381570874.
Genomic context (GRCh38, chr11:67,995,802, plus strand): 5'-ACCCCTGCTCCGGCCACCAGGGGCACCGGGCGTGGCAGCCACAGGCCCAGCAGGCCCAGG[A>T]GTGAGGCGGCTGAGGCGCCCAGGCTGTAAGCCACGAGGAGGTAAGCCAGCCGCTCCAGCC-3'
Protein context (NP_112192.2, residues 381-401): AYSLGASAAS[Leu391His]LGLLGLWLPR

ClinVar aggregate classification (germline): Uncertain significance (1 of 4 stars; one submission).

Conditions:
Encephalopathy, acute, infection-induced (herpes-specific), susceptibility to, 1. Also called: Herpes simplex encephalitis, susceptibility to, 1. Identifiers: Orphanet 1930, MedGen C2750180, MONDO:0024563, OMIM 610551.

gnomAD v4.1: 3 of 1,547,324 alleles (0.00019%); highest among the groups gnomAD compares: Non-Finnish European, 0.00026%; no homozygotes.

Submission:

Labcorp Genetics (formerly Invitae), Labcorp
Classification: Uncertain significance for Encephalopathy, acute, infection-induced (herpes-specific), susceptibility to, 1. Last evaluated: 2022-06-27. Review status: criteria provided, single submitter. Criteria: Invitae Variant Classification Sherloc (09022015). Collection method: clinical testing. Allele origin: germline.
Comment: In summary, the available evidence is currently insufficient to determine the role of this variant in disease. Therefore, it has been classified as a Variant of Uncertain Significance. Experimental studies and prediction algorithms are not available or were not evaluated, and the functional significance of this variant is currently unknown. This variant has not been reported in the literature in individuals affected with UNC93B1-related conditions. This variant is not present in population databases (gnomAD no frequency). This sequence change replaces leucine with histidine at codon 391 of the UNC93B1 protein (p.Leu391His). Conservation data for the leucine residue is unavailable and there is a moderate physicochemical difference between leucine and histidine.